The following is an entry in ClinVar:

ClinVar aggregate classification (germline): Likely benign. Review status: criteria provided, multiple submitters, no conflicts (2 of 4 stars). 3 submissions from 3 submitters: Likely benign (2). 1 of the submissions does not count toward it. Last evaluated 2025-03-30.

Conditions:
Autosomal recessive limb-girdle muscular dystrophy type 2T. Also called: Limb-girdle muscular dystrophy-dystroglycanopathy, type C14; MUSCULAR DYSTROPHY-DYSTROGLYCANOPATHY, LIMB-GIRDLE, GMPPB-RELATED; MUSCULAR DYSTROPHY, LIMB-GIRDLE, TYPE 2T; Muscular dystrophy-dystroglycanopathy (limb-girdle), type c, 14. Identifiers: Orphanet 363623, MedGen C4518000, MONDO:0014142, OMIM 615352.
Muscular dystrophy-dystroglycanopathy (congenital with impaired intellectual development), type B, 14. Also called: Congenital muscular dystrophy-dystroglycanopathy with mental retardation, type B14; Muscular dystrophy-dystroglycanopathy (congenital with intellectual disability), type B14; MUSCULAR DYSTROPHY, CONGENITAL, GMPPB-RELATED. Identifiers: MedGen C3809221, MONDO:0014141, OMIM 615351.
Muscular dystrophy-dystroglycanopathy (congenital with brain and eye anomalies), type A14. Also called: Congenital Muscular Dystrophy-Dystroglycanopathy with Brain and Eye Anomalies Type A 14; Congenital muscular dystrophy-dystroglycanopathy with brain and eye anomalies, type A14; Muscular dystrophy-dystroglycanopathy (congenital with brain and eye anomalies), type a, 14; WALKER-WARBURG SYNDROME OR MUSCLE-EYE-BRAIN DISEASE, GMPPB-RELATED. Identifiers: Orphanet 588, MedGen C3809216, MONDO:0014140, OMIM 615350.
GMPPB-related disorder. Also called: GMPPB-related disorders; GMPPB-related condition.

Allele frequency attached by ClinVar (database versions not stated): gnomAD exomes 0.00009 and 0.00002; ESP Exome Variant Server 0.00031; gnomAD 0.00031 and 0.00030; 1000 Genomes Project 0.00040; ExAC 0.00014; TOPMed 0.00027; 1000 Genomes Project 30x 0.00047.

Submissions (3):

Labcorp Genetics (formerly Invitae), Labcorp
Classification: Likely benign for Autosomal recessive limb-girdle muscular dystrophy type 2T; Muscular dystrophy-dystroglycanopathy (congenital with brain and eye anomalies), type A14; Muscular dystrophy-dystroglycanopathy (congenital with impaired intellectual development), type B, 14. Last evaluated: 2025-03-30. Review status: criteria provided, single submitter. Criteria: Invitae Variant Classification Sherloc (09022015). Collection method: clinical testing. Allele origin: germline.

Blueprint Genetics
Classification: Likely benign. Last evaluated: 2024-07-17. Review status: criteria provided, single submitter. Criteria: ACMG Guidelines, 2015. Collection method: clinical testing. Allele origin: germline.

PreventionGenetics, part of Exact Sciences
Classification: Likely benign for GMPPB-related condition. Last evaluated: 2019-09-18. Review status: no assertion criteria provided. Collection method: clinical testing. Allele origin: germline. Not counted in ClinVar's aggregate classification.
Comment: This variant is classified as likely benign based on ACMG/AMP sequence variant interpretation guidelines (Richards et al. 2015 PMID: 25741868, with internal and published modifications).

NM_021971.4(GMPPB):c.1065G>A (p.Glu355=)

Gene: GMPPB (GDP-mannose pyrophosphorylase B; minus strand). Cytogenetic location: 3p21.31.
Variant type: single nucleotide variant.
Coding change: c.1065G>A on transcript NM_021971.4 (MANE Select); coding-DNA position 1065, G replaced by A.
Protein change: p.Glu355=; no amino-acid change (glutamic acid 355 retained).
Molecular consequence: synonymous variant.
Genome position (GRCh38, 1-based): chr3:49,721,770, C>T on the plus strand (G>A on the coding strand, the complement: GMPPB is on the minus strand). VCF-style: chr3-49721770-C-T. GRCh37 (hg19) VCF-style: chr3-49759203-C-T.
Other names: c.1146G>A (NM_013334.3); c.1146G>A, p.Glu382= (NM_013334.4).
Identifiers: ClinVar variation 1134065 (VCV001134065.10), dbSNP rs143218268, ClinGen allele CA2405356.